The following is an entry in ClinVar:

NM_004119.3(FLT3):c.2505T>G (p.Asp835Glu)

Gene: FLT3 (fms related receptor tyrosine kinase 3; minus strand). Cytogenetic location: 13q12.2.
Variant type: single nucleotide variant.
Coding change: c.2505T>G on transcript NM_004119.3 (MANE Select); coding-DNA position 2505, T replaced by G.
Protein change: p.Asp835Glu; replaces aspartic acid 835 with glutamic acid.
Molecular consequence: missense variant. On other transcripts: non-coding transcript variant (1).
Genome position (GRCh38, 1-based): chr13:28,018,503, A>C on the plus strand (T>G on the coding strand, the complement: FLT3 is on the minus strand). VCF-style: chr13-28018503-A-C. GRCh37 (hg19) VCF-style: chr13-28592640-A-C.
Other names: short protein forms D835E.
Identifiers: ClinVar variation 4530044 (VCV004530044.1), dbSNP rs121913487.
Genomic context (GRCh38, chr13:28,018,503, plus strand): 5'-ATAAGTAGGAAATAGCAGCCTCACATTGCCCCTGACAACATAGTTGGAATCACTCATGAT[A>C]TCTCGAGCCAATCCAAAGTCACATATCTTCACCACTTTCCCGTGGGTGACAAGCACGTTC-3'
Protein context (NP_004110.2, residues 825-845): VKICDFGLAR[Asp835Glu]IMSDSNYVVR

ClinVar aggregate classification (somatic clinical impact): Tier I - Strong (1 of 4 stars; one submission).

Conditions:
Acute myeloid leukemia (AML). Also called: Acute myeloid leukemia, adult; AML adult; Acute non-lymphocytic leukemia; Acute granulocytic leukemia; Leukemia, acute myeloid, somatic; Leukemia, acute myelogenous, somatic. Identifiers: Orphanet 519, MedGen C0023467, MeSH D015470, MONDO:0018874, OMIM 601626, HP:0004808. Disease mechanism: Constitutively activated FLT3.

Submission:

Institute for Genomic Medicine (IGM) Clinical Laboratory, Nationwide Children's Hospital
Classification: Tier I - Strong for Acute myeloid leukemia. Assertion type: diagnostic. Clinical significance: supports diagnosis. Last evaluated: 2023-10-12. Review status: criteria provided, single submitter. Criteria: AMP/ASCO/CAP Guidelines, 2017. Collection method: clinical testing. Allele origin: somatic. Affected: yes.
Comment: Variant has Tier I (strong) clinical significance as a diagnostic inclusion criterion in acute myeloid leukemia, based on the following evidence: 1) Documented in one or more cancer databases (e.g., St. Jude Pecan, COSMIC, CIViC, OncoKB). 2) Appears in one or more well-established professional guidelines (e.g., World Health Organization [WHO]; National Comprehensive Cancer Network [NCCN]) as providing diagnostic, prognostic, or therapeutic information. 3) Information in the literature supports potential biologic effect of variant (PMIDs: 11290608, 15256420, 25992210). 4) Diagnostic for a specific tumor type/classification based on well-powered studies with expert-level consensus (Evidence Level B; PMIDs: 11290608, 24132290, 32231866).

Literature cited by the submitters: PubMed 11290608; PubMed 15256420; PubMed 25992210; PubMed 24132290; PubMed 32231866.